The following is an entry in ClinVar:

ClinVar aggregate classification (germline): Uncertain significance (1 of 4 stars; one submission).

Submission:

GeneDx
Classification: Uncertain significance. Last evaluated: 2017-01-31. Review status: criteria provided, single submitter. Criteria: GeneDx Variant Classification (06012015). Collection method: clinical testing. Allele origin: germline. Affected: yes.
Comment: A variant of uncertain significance has been identified in the SCN4B gene. The F66L variant has not been published as pathogenic or been reported as benign to our knowledge. F66L is not observed in large population cohorts (Lek et al., 2016; 1000 Genomes Consortium et al., 2015; Exome Variant Server). This substitution occurs at a position that is conserved across species, and in silico analysis predicts this variant is probably damaging to the protein structure/function. Nevertheless, the F66L variant is a conservative amino acid substitution, which is not likely to impact secondary protein structure as these residues share similar properties. Furthermore, no pathogenic missense variants in nearby residues have been reported in the Human Gene Mutation Database (Stenson et al., 2014), indicating that this region of the gene is not known to harbor disease-causing variants.

NM_174934.4(SCN4B):c.196T>C (p.Phe66Leu)

Gene: SCN4B (sodium voltage-gated channel beta subunit 4; minus strand). Cytogenetic location: 11q23.3.
Variant type: single nucleotide variant.
Coding change: c.196T>C on transcript NM_174934.4 (MANE Select); coding-DNA position 196, T replaced by C.
Protein change: p.Phe66Leu; replaces phenylalanine 66 with leucine.
Molecular consequence: missense variant. On other transcripts: 5 prime UTR variant (1), non-coding transcript variant (1), intron variant (1).
Genome position (GRCh38, 1-based): chr11:118,145,095, A>G on the plus strand (T>C on the coding strand, the complement: SCN4B is on the minus strand). VCF-style: chr11-118145095-A-G. GRCh37 (hg19) VCF-style: chr11-118015810-A-G.
Other names: c.-135T>C (NM_001142349.2); c.62-3759T>C (NM_001142348.2); short protein forms F66L.
Identifiers: ClinVar variation 393206 (VCV000393206.2), dbSNP rs1057524836, ClinGen allele CA16606871.